The following is an entry in ClinVar:

ClinVar aggregate classification (germline): Uncertain significance (1 of 4 stars; one submission).

Conditions:
Epilepsy, familial focal, with variable foci 3 (FFEVF3). Identifiers: MedGen C4310708, MONDO:0014925, OMIM 617118.

Allele frequency attached by ClinVar (database versions not stated): gnomAD 0.00004; TOPMed 0.00004; ExAC 0.00003.
gnomAD v4.1: 31 of 1,548,244 alleles (0.002%); highest among the groups gnomAD compares: Middle Eastern, 0.043%; no homozygotes.

Submission:

Labcorp Genetics (formerly Invitae), Labcorp
Classification: Uncertain significance for Epilepsy, familial focal, with variable foci 3. Last evaluated: 2024-04-29. Review status: criteria provided, single submitter. Criteria: Invitae Variant Classification Sherloc (09022015). Collection method: clinical testing. Allele origin: germline.
Comment: This sequence change falls in intron 12 of the NPRL3 gene. It does not directly change the encoded amino acid sequence of the NPRL3 protein. The frequency data for this variant in the population databases is considered unreliable, as metrics indicate poor data quality at this position in the gnomAD database. This variant has not been reported in the literature in individuals affected with NPRL3-related conditions. ClinVar contains an entry for this variant (Variation ID: 2062512). Algorithms developed to predict the effect of sequence changes on RNA splicing suggest that this variant may create or strengthen a splice site. In summary, the available evidence is currently insufficient to determine the role of this variant in disease. Therefore, it has been classified as a Variant of Uncertain Significance.

NM_001077350.3(NPRL3):c.1351+16C>T

Genes: HBA-LCR (alpha-globin locus control region; plus strand), NPRL3 (NPR3 like, GATOR1 complex subunit; minus strand). Cytogenetic location: 16p13.3.
Variant type: single nucleotide variant.
Coding change: c.1351+16C>T on transcript NM_001077350.3 (MANE Select); 16 bases into the intron after coding-DNA position 1351, C replaced by T.
Molecular consequence: intron variant.
Genome position (GRCh38, 1-based): chr16:89,697, G>A on the plus strand (C>T on the coding strand, the complement: NPRL3 is on the minus strand). VCF-style: chr16-89697-G-A. GRCh37 (hg19) VCF-style: chr16-139695-G-A.
Other names: c.1117+16C>T (NM_001243247.2); c.1276+16C>T (NM_001243248.2, NM_001243249.2); c.814+16C>T (NM_001039476.3).
Identifiers: ClinVar variation 2062512 (VCV002062512.4), dbSNP rs756787927, ClinGen allele CA7769359.